The following is an entry in ClinVar:

NM_005720.4(ARPC1B):c.384G>C (p.Glu128Asp)

Gene: ARPC1B (actin related protein 2/3 complex subunit 1B; plus strand). Cytogenetic location: 7q22.1.
Variant type: single nucleotide variant.
Coding change: c.384G>C on transcript NM_005720.4 (MANE Select); coding-DNA position 384, G replaced by C.
Protein change: p.Glu128Asp; replaces glutamic acid 128 with aspartic acid.
Molecular consequence: missense variant.
Genome position (GRCh38, 1-based): chr7:99,388,253, G>C. VCF-style: chr7-99388253-G-C. GRCh37 (hg19) VCF-style: chr7-98985876-G-C.
Other names: short protein forms E128D.
Identifiers: ClinVar variation 2769895 (VCV002769895.3), dbSNP rs541744801, ClinGen allele CA368319892.

ClinVar aggregate classification (germline): Uncertain significance (1 of 4 stars; one submission).

Allele frequency attached by ClinVar (database versions not stated): gnomAD exomes below 0.00001; TOPMed below 0.00001.
gnomAD v4.1: 1 of 1,614,026 alleles (0.000062%); highest among the groups gnomAD compares: African/African-American, 0.0013%; no homozygotes.

Submission:

Labcorp Genetics (formerly Invitae), Labcorp
Classification: Uncertain significance. Last evaluated: 2023-10-18. Review status: criteria provided, single submitter. Criteria: Invitae Variant Classification Sherloc (09022015). Collection method: clinical testing. Allele origin: germline.
Comment: This sequence change replaces glutamic acid, which is acidic and polar, with aspartic acid, which is acidic and polar, at codon 128 of the ARPC1B protein (p.Glu128Asp). This variant is present in population databases (no rsID available, gnomAD 0.007%). This variant has not been reported in the literature in individuals affected with ARPC1B-related conditions. Advanced modeling of protein sequence and biophysical properties (such as structural, functional, and spatial information, amino acid conservation, physicochemical variation, residue mobility, and thermodynamic stability) performed at Invitae indicates that this missense variant is not expected to disrupt ARPC1B protein function. In summary, the available evidence is currently insufficient to determine the role of this variant in disease. Therefore, it has been classified as a Variant of Uncertain Significance.